The following is an entry in ClinVar:

NM_000548.5(TSC2):c.775-1G>C

Gene: TSC2 (TSC complex subunit 2; plus strand). Cytogenetic location: 16p13.3.
Variant type: single nucleotide variant.
Coding change: c.775-1G>C on transcript NM_000548.5 (MANE Select); the canonical splice acceptor site of the intron before coding-DNA position 775, G replaced by C.
Molecular consequence: splice acceptor variant.
Genome position (GRCh38, 1-based): chr16:2,057,104, G>C. VCF-style: chr16-2057104-G-C. GRCh37 (hg19) VCF-style: chr16-2107105-G-C.
Other names: c.175-1G>C (NM_001406688.1, NM_001406686.1, NM_001406682.1 and 6 more transcripts); c.718-1G>C (NM_001406677.1); c.628-1G>C (NM_001406675.1, NM_001406676.1, NM_001318829.2 and 1 more transcripts); c.808-1G>C (NM_001318832.2); c.775-1G>C (NM_001077183.3, NM_021055.3, NM_001370405.1 and 6 more transcripts); c.-538-1G>C (NM_001406694.1, NM_001406695.1); c.-657-1G>C (NM_001406696.1, NM_001406693.1, NM_001406689.1 and 4 more transcripts); c.763-1G>C (NM_001406671.1, NM_001406673.1); and 4 more.
Identifiers: ClinVar variation 983048 (VCV000983048.3), dbSNP rs45454192, ClinGen allele CA394312931.

ClinVar aggregate classification (germline): Pathogenic (1 of 4 stars; one submission).

Conditions:
Tuberous sclerosis 2 (TSC2). Identifiers: Orphanet 805, MedGen C1860707, MONDO:0013199, OMIM 613254.

Submission:

Institute of Human Genetics, University of Leipzig Medical Center
Classification: Pathogenic for Tuberous sclerosis 2. Last evaluated: 2020-02-20. Review status: criteria provided, single submitter. Criteria: ACMG Guidelines, 2015. Collection method: clinical testing. Allele origin: unknown. Inheritance: Autosomal dominant inheritance. Affected: yes.
Comment: Criteria applied: PVS1, PM2, PP4